The following is an entry in ClinVar:

ClinVar aggregate classification (germline): Likely pathogenic (1 of 4 stars; one submission).

Conditions:
Polymicrogyria with or without vascular-type Ehlers-Danlos syndrome. Identifiers: Orphanet 636941, MedGen C5193040, MONDO:0032688, OMIM 618343.

Submission:

Centre for Mendelian Genomics, University Medical Centre Ljubljana
Classification: Likely pathogenic for Polymicrogyria with or without vascular-type Ehlers-Danlos syndrome. Last evaluated: 2016-01-01. Review status: criteria provided, single submitter. Criteria: ACMG Guidelines, 2015. Collection method: clinical testing. Allele origin: unknown. Affected: yes.
Comment: This variant was classified as: Likely pathogenic. The following ACMG criteria were applied in classifying this variant: PM2,PM5,PP2,PP3,PP4.

NM_000090.4(COL3A1):c.1465G>T (p.Gly489Trp)

Gene: COL3A1 (collagen type III alpha 1 chain; plus strand). Cytogenetic location: 2q32.2.
Variant type: single nucleotide variant.
Coding change: c.1465G>T on transcript NM_000090.4 (MANE Select); coding-DNA position 1465, G replaced by T.
Protein change: p.Gly489Trp; replaces glycine 489 with tryptophan.
Molecular consequence: missense variant.
Genome position (GRCh38, 1-based): chr2:188,995,055, G>T. VCF-style: chr2-188995055-G-T. GRCh37 (hg19) VCF-style: chr2-189859781-G-T.
Other names: short protein forms G489W.
Identifiers: ClinVar variation 930386 (VCV000930386.3), dbSNP rs1688274473, ClinGen allele CA349851988.
Genomic context (GRCh38, chr2:188,995,055, plus strand): 5'-AAAAGAATTGAAATCCTTTGGACTGAAATACTTGTCTTTCATTATTTTCAGGGTGCCCCT[G>T]GGTTCCGAGGACCTGCTGGACCAAATGGCATCCCAGGAGAAAAGGTAGATAACTTTAGTT-3'
Protein context (NP_000081.2, residues 479-499): PGAAGERGAP[Gly489Trp]FRGPAGPNGI